The following is an entry in ClinVar:

NM_203447.4(DOCK8):c.3872A>G (p.Asp1291Gly)

Gene: DOCK8 (dedicator of cytokinesis 8; plus strand). Cytogenetic location: 9p24.3.
Variant type: single nucleotide variant.
Coding change: c.3872A>G on transcript NM_203447.4 (MANE Select); coding-DNA position 3872, A replaced by G.
Protein change: p.Asp1291Gly; replaces aspartic acid 1291 with glycine.
Molecular consequence: missense variant.
Genome position (GRCh38, 1-based): chr9:420,432, A>G. VCF-style: chr9-420432-A-G. GRCh37 (hg19) VCF-style: chr9-420432-A-G.
Other names: c.3572A>G, p.Asp1191Gly (NM_001190458.2); c.3668A>G, p.Asp1223Gly (NM_001193536.2); short protein forms D1191G, D1223G, D1291G.
Identifiers: ClinVar variation 1461325 (VCV001461325.8), dbSNP rs2056228827, ClinGen allele CA372763660.

ClinVar aggregate classification (germline): Uncertain significance (1 of 4 stars; one submission).

Conditions:
Combined immunodeficiency due to DOCK8 deficiency (HIES2). Also called: HIES autosomal recessive; Hyper-IgE recurrent infection syndrome, autosomal recessive; HYPER-IgE SYNDROME 2, AUTOSOMAL RECESSIVE, WITH RECURRENT INFECTIONS; HYPER-IgE RECURRENT INFECTION SYNDROME 2, AUTOSOMAL RECESSIVE; DOCK8 Deficiency. Identifiers: Orphanet 217390, MedGen C4722305, MONDO:0009478, OMIM 243700.

Submission:

Labcorp Genetics (formerly Invitae), Labcorp
Classification: Uncertain significance for Combined immunodeficiency due to DOCK8 deficiency. Last evaluated: 2020-11-04. Review status: criteria provided, single submitter. Criteria: Invitae Variant Classification Sherloc (09022015). Collection method: clinical testing. Allele origin: germline.
Comment: This sequence change replaces aspartic acid with glycine at codon 1291 of the DOCK8 protein (p.Asp1291Gly). The aspartic acid residue is moderately conserved and there is a moderate physicochemical difference between aspartic acid and glycine. In summary, the available evidence is currently insufficient to determine the role of this variant in disease. Therefore, it has been classified as a Variant of Uncertain Significance. Algorithms developed to predict the effect of missense changes on protein structure and function are either unavailable or do not agree on the potential impact of this missense change (SIFT: "Tolerated"; PolyPhen-2: "Possibly Damaging"; Align-GVGD: "Class C0"). This variant has not been reported in the literature in individuals with DOCK8-related conditions. This variant is not present in population databases (ExAC no frequency).